The following is an entry in ClinVar:

NM_001849.4(COL6A2):c.479T>C (p.Ile160Thr)

Gene: COL6A2 (collagen type VI alpha 2 chain; plus strand). Cytogenetic location: 21q22.3.
Variant type: single nucleotide variant.
Coding change: c.479T>C on transcript NM_001849.4 (MANE Select); coding-DNA position 479, T replaced by C.
Protein change: p.Ile160Thr; replaces isoleucine 160 with threonine.
Molecular consequence: missense variant.
Genome position (GRCh38, 1-based): chr21:46,112,342, T>C. VCF-style: chr21-46112342-T-C. GRCh37 (hg19) VCF-style: chr21-47532256-T-C.
Other names: c.479T>C, p.Ile160Thr (NM_058174.3, NM_058175.3); short protein forms I160T.
Identifiers: ClinVar variation 1447244 (VCV001447244.10), dbSNP rs1454146707, ClinGen allele CA410521744.

ClinVar aggregate classification (germline): Uncertain significance. Review status: criteria provided, multiple submitters, no conflicts (2 of 4 stars). 3 submissions from 3 submitters: Uncertain significance (3). Last evaluated 2025-09-08.

Conditions:
Bethlem myopathy 1A. Also called: MYOPATHY, BENIGN CONGENITAL, WITH CONTRACTURES; Bethlem Muscular Dystrophy; Bethlem myopathy 1. Identifiers: Orphanet 610, MedGen CN029274, MONDO:0024530, OMIM 158810.

Allele frequency attached by ClinVar (database versions not stated): gnomAD 0.00001; TOPMed 0.00002.

Submissions (3):

Labcorp Genetics (formerly Invitae), Labcorp
Classification: Uncertain significance for Bethlem myopathy 1A. Last evaluated: 2025-09-08. Review status: criteria provided, single submitter. Criteria: Invitae Variant Classification Sherloc (09022015). Collection method: clinical testing. Allele origin: germline.
Comment: This sequence change replaces isoleucine, which is neutral and non-polar, with threonine, which is neutral and polar, at codon 160 of the COL6A2 protein (p.Ile160Thr). This variant is present in population databases (no rsID available, gnomAD 0.003%). This variant has not been reported in the literature in individuals affected with COL6A2-related conditions. ClinVar contains an entry for this variant (Variation ID: 1447244). Invitae Evidence Modeling of protein sequence and biophysical properties (such as structural, functional, and spatial information, amino acid conservation, physicochemical variation, residue mobility, and thermodynamic stability) indicates that this missense variant is expected to disrupt COL6A2 protein function with a positive predictive value of 80%. In summary, the available evidence is currently insufficient to determine the role of this variant in disease. Therefore, it has been classified as a Variant of Uncertain Significance.

Revvity Omics, Revvity
Classification: Uncertain significance. Last evaluated: 2023-11-07. Review status: criteria provided, single submitter. Criteria: ACMG Guidelines, 2015. Collection method: clinical testing. Allele origin: germline.

GeneDx
Classification: Uncertain significance. Last evaluated: 2022-03-12. Review status: criteria provided, single submitter. Criteria: GeneDx Variant Classification Process June 2021. Collection method: clinical testing. Allele origin: germline. Affected: yes.
Comment: Not observed at significant frequency in large population cohorts (gnomAD); In silico analysis supports that this missense variant has a deleterious effect on protein structure/function; Has not been previously published as pathogenic or benign to our knowledge